The following is an entry in ClinVar:

ClinVar aggregate classification (germline): Pathogenic (1 of 4 stars; one submission).

Submission:

Labcorp Genetics (formerly Invitae), Labcorp
Classification: Pathogenic. Last evaluated: 2026-01-20. Review status: criteria provided, single submitter. Criteria: Invitae Variant Classification Sherloc (09022015). Collection method: clinical testing. Allele origin: germline.
Comment: This sequence change creates a premature translational stop signal (p.Tyr632*) in the CYLD gene. It is expected to result in an absent or disrupted protein product. Loss-of-function variants in CYLD are known to be pathogenic (PMID: 19462465). This variant is not present in population databases (gnomAD no frequency). This variant has not been reported in the literature in individuals affected with CYLD-related conditions. For these reasons, this variant has been classified as Pathogenic.

Literature cited by the submitters: PubMed 19462465.

NM_001378743.1(CYLD):c.1896T>A (p.Tyr632Ter)

Genes: CYLD (CYLD lysine 63 deubiquitinase; plus strand), CYLD-AS2 (CYLD antisense RNA 2; minus strand). Cytogenetic location: 16q12.1.
Variant type: single nucleotide variant.
Coding change: c.1896T>A on transcript NM_001378743.1 (MANE Select); coding-DNA position 1896, T replaced by A.
Protein change: p.Tyr632Ter; replaces tyrosine 632 with a stop codon.
Molecular consequence: nonsense. On other transcripts: non-coding transcript variant (1).
Genome position (GRCh38, 1-based): chr16:50,784,398, T>A. VCF-style: chr16-50784398-T-A. GRCh37 (hg19) VCF-style: chr16-50818309-T-A.
Other names: c.1887T>A, p.Tyr629Ter (NM_001042355.2, NM_001042412.3, NM_001378744.1 and 6 more transcripts); c.1857T>A, p.Tyr619Ter (NM_001378751.1, NM_001378752.1, NM_001378753.1); c.1221T>A, p.Tyr407Ter (NM_001378754.1, NM_001378755.1); c.1896T>A, p.Tyr632Ter (NM_015247.3); short protein forms Y619*, Y407*, Y629*, Y632*.
Identifiers: ClinVar variation 4735825 (VCV004735825.1).